The following is an entry in ClinVar:

NM_177438.3(DICER1):c.3343T>G (p.Ser1115Ala)

Gene: DICER1 (dicer 1, ribonuclease III; minus strand). Cytogenetic location: 14q32.13.
Variant type: single nucleotide variant.
Coding change: c.3343T>G on transcript NM_177438.3 (MANE Select); coding-DNA position 3343, T replaced by G.
Protein change: p.Ser1115Ala; replaces serine 1115 with alanine.
Molecular consequence: missense variant. On other transcripts: non-coding transcript variant (4).
Genome position (GRCh38, 1-based): chr14:95,104,053, A>C on the plus strand (T>G on the coding strand, the complement: DICER1 is on the minus strand). VCF-style: chr14-95104053-A-C. GRCh37 (hg19) VCF-style: chr14-95570390-A-C.
Other names: c.3343T>G, p.Ser1115Ala (NM_001195573.1, NM_001271282.3, NM_001291628.2 and 12 more transcripts); c.3061T>G, p.Ser1021Ala (NM_001395686.1); c.2938T>G, p.Ser980Ala (NM_001395687.1, NM_001395688.1, NM_001395689.1 and 2 more transcripts); c.2776T>G, p.Ser926Ala (NM_001395691.1); c.1660T>G, p.Ser554Ala (NM_001395697.1); short protein forms S1021A, S554A, S926A, S1115A, S980A.
Identifiers: ClinVar variation 3637502 (VCV003637502.2).

ClinVar aggregate classification (germline): Uncertain significance (1 of 4 stars; one submission).

Conditions:
DICER1-related tumor predisposition. Also called: DICER1-related pleuropulmonary blastoma cancer predisposition syndrome; DICER1 syndrome. Identifiers: Orphanet 284343, MedGen C3839822, MONDO:0100216.

Submission:

Labcorp Genetics (formerly Invitae), Labcorp
Classification: Uncertain significance for DICER1-related tumor predisposition. Last evaluated: 2024-01-31. Review status: criteria provided, single submitter. Criteria: Invitae Variant Classification Sherloc (09022015). Collection method: clinical testing. Allele origin: germline.
Comment: This sequence change replaces serine, which is neutral and polar, with alanine, which is neutral and non-polar, at codon 1115 of the DICER1 protein (p.Ser1115Ala). This variant is not present in population databases (gnomAD no frequency). This variant has not been reported in the literature in individuals affected with DICER1-related conditions. Advanced modeling of protein sequence and biophysical properties (such as structural, functional, and spatial information, amino acid conservation, physicochemical variation, residue mobility, and thermodynamic stability) performed at Invitae indicates that this missense variant is not expected to disrupt DICER1 protein function with a negative predictive value of 80%. RNA analysis performed to evaluate the impact of this missense change on mRNA splicing indicates it does not significantly alter splicing (Invitae). In summary, the available evidence is currently insufficient to determine the role of this variant in disease. Therefore, it has been classified as a Variant of Uncertain Significance.